The following is an entry in ClinVar:

ClinVar aggregate classification (germline): Uncertain significance. Review status: criteria provided, multiple submitters, no conflicts (2 of 4 stars). 2 submissions from 2 submitters: Uncertain significance (2). Last evaluated 2025-09-05.

Allele frequency attached by ClinVar (database versions not stated): gnomAD 0.00005; ESP Exome Variant Server 0.00015; ExAC 0.00002; TOPMed 0.00005.

Submissions (2):

Ambry Genetics
Classification: Uncertain significance. Last evaluated: 2025-09-05. Review status: criteria provided, single submitter. Criteria: Ambry Variant Classification Scheme 2023. Collection method: clinical testing. Allele origin: germline.

Labcorp Genetics (formerly Invitae), Labcorp
Classification: Uncertain significance. Last evaluated: 2022-06-26. Review status: criteria provided, single submitter. Criteria: Invitae Variant Classification Sherloc (09022015). Collection method: clinical testing. Allele origin: germline.
Comment: Algorithms developed to predict the effect of missense changes on protein structure and function output the following: SIFT: "Deleterious"; PolyPhen-2: "Possibly Damaging"; Align-GVGD: "Class C45". The serine amino acid residue is found in multiple mammalian species, which suggests that this missense change does not adversely affect protein function. This variant has not been reported in the literature in individuals affected with MARS2-related conditions. This variant is present in population databases (rs143650096, gnomAD 0.005%). This sequence change replaces asparagine, which is neutral and polar, with serine, which is neutral and polar, at codon 285 of the MARS2 protein (p.Asn285Ser). In summary, the available evidence is currently insufficient to determine the role of this variant in disease. Therefore, it has been classified as a Variant of Uncertain Significance.

NM_138395.4(MARS2):c.854A>G (p.Asn285Ser)

Gene: MARS2 (methionyl-tRNA synthetase 2, mitochondrial; plus strand). Cytogenetic location: 2q33.1.
Variant type: single nucleotide variant.
Coding change: c.854A>G on transcript NM_138395.4 (MANE Select); coding-DNA position 854, A replaced by G.
Protein change: p.Asn285Ser; replaces asparagine 285 with serine.
Molecular consequence: missense variant.
Genome position (GRCh38, 1-based): chr2:197,706,259, A>G. VCF-style: chr2-197706259-A-G. GRCh37 (hg19) VCF-style: chr2-198570983-A-G.
Other names: c.854A>G (NM_138395.3); short protein forms N285S.
Identifiers: ClinVar variation 2075977 (VCV002075977.7), dbSNP rs143650096, ClinGen allele CA2044649.